The following is an entry in ClinVar:

NM_001040436.3(YARS2):c.160G>C (p.Glu54Gln)

Gene: YARS2 (tyrosyl-tRNA synthetase 2; minus strand). Cytogenetic location: 12p11.21.
Variant type: single nucleotide variant.
Coding change: c.160G>C on transcript NM_001040436.3 (MANE Select); coding-DNA position 160, G replaced by C.
Protein change: p.Glu54Gln; replaces glutamic acid 54 with glutamine.
Molecular consequence: missense variant.
Genome position (GRCh38, 1-based): chr12:32,755,715, C>G on the plus strand (G>C on the coding strand, the complement: YARS2 is on the minus strand). VCF-style: chr12-32755715-C-G. GRCh37 (hg19) VCF-style: chr12-32908649-C-G.
Other names: c.160G>C (NM_001040436.2); short protein forms E54Q.
Identifiers: ClinVar variation 1962599 (VCV001962599.6), dbSNP rs982062360, ClinGen allele CA235221530.

ClinVar aggregate classification (germline): Uncertain significance. Review status: criteria provided, multiple submitters, no conflicts (2 of 4 stars). 2 submissions from 2 submitters: Uncertain significance (2). Last evaluated 2026-02-09.

Allele frequency attached by ClinVar (database versions not stated): TOPMed below 0.00001.

Submissions (2):

GeneDx
Classification: Uncertain significance. Last evaluated: 2026-02-09. Review status: criteria provided, single submitter. Criteria: GeneDx Variant Classification Process June 2021. Collection method: clinical testing. Allele origin: germline.
Comment: Not observed at significant frequency in large population cohorts (gnomAD); In silico analysis suggests that this missense variant does not alter protein structure/function; Has not been previously published as pathogenic or benign to our knowledge

Labcorp Genetics (formerly Invitae), Labcorp
Classification: Uncertain significance. Last evaluated: 2022-03-09. Review status: criteria provided, single submitter. Criteria: Invitae Variant Classification Sherloc (09022015). Collection method: clinical testing. Allele origin: germline.
Comment: This sequence change replaces glutamic acid, which is acidic and polar, with glutamine, which is neutral and polar, at codon 54 of the YARS2 protein (p.Glu54Gln). This variant is not present in population databases (gnomAD no frequency). This variant has not been reported in the literature in individuals affected with YARS2-related conditions. Advanced modeling of protein sequence and biophysical properties (such as structural, functional, and spatial information, amino acid conservation, physicochemical variation, residue mobility, and thermodynamic stability) performed at Invitae indicates that this missense variant is not expected to disrupt YARS2 protein function. In summary, the available evidence is currently insufficient to determine the role of this variant in disease. Therefore, it has been classified as a Variant of Uncertain Significance.